The following is an entry in ClinVar:

NM_005359.6(SMAD4):c.955+1del

Gene: SMAD4 (SMAD family member 4; plus strand). Cytogenetic location: 18q21.2.
Variant type: Deletion.
Coding change: c.955+1del on transcript NM_005359.6 (MANE Select); the canonical splice donor site of the intron after coding-DNA position 955, one base deleted (G; older notation c.955+1delG).
Molecular consequence: splice donor variant.
Genome position (GRCh38, 1-based): chr18:51,059,917, G deleted; the last of 2 consecutive G bases (chr18:51,059,916-51,059,917); deleting either gives the same sequence. VCF-style (leftmost placement, unchanged base first): chr18-51059915-TG-T. GRCh37 (hg19) VCF-style: chr18-48586285-TG-T.
Other names: c.955+1delG (NM_005359.5); c.955+1del (NM_001407042.1, NM_001407041.1, NM_001407043.1).
Identifiers: ClinVar variation 529916 (VCV000529916.8), dbSNP rs1555686086, ClinGen allele CA658799061.

ClinVar aggregate classification (germline): Likely pathogenic (1 of 4 stars; one submission).

Conditions:
Juvenile polyposis syndrome (JPS). Identifiers: Orphanet 2929, MedGen C0345893, MONDO:0017380, OMIM 174900.

Submission:

Labcorp Genetics (formerly Invitae), Labcorp
Classification: Likely pathogenic for Juvenile polyposis syndrome. Last evaluated: 2017-11-01. Review status: criteria provided, single submitter. Criteria: Invitae Variant Classification Sherloc (09022015). Collection method: clinical testing. Allele origin: germline.
Comment: This sequence change affects a donor splice site in intron 8 of the SMAD4 gene. It is expected to disrupt RNA splicing and likely results in an absent or disrupted protein product. This variant is not present in population databases (ExAC no frequency). In summary, the currently available evidence indicates that the variant is pathogenic, but additional data are needed to prove that conclusively. Therefore, this variant has been classified as Likely Pathogenic. Donor and acceptor splice site variants typically lead to a loss of protein function (PMID: 16199547), and loss-of-function variants in SMAD4 are known to be pathogenic (PMID: 16152648, 16436638, 22810475). Algorithms developed to predict the effect of sequence changes on RNA splicing suggest that this variant may disrupt the consensus splice site, but this prediction has not been confirmed by published transcriptional studies. This variant has not been reported in the literature in individuals with SMAD4-related disease.

Literature cited by the submitters: PubMed 16199547; PubMed 16152648; PubMed 16436638; PubMed 22810475.